The following is an entry in ClinVar:

ClinVar aggregate classification (germline): Pathogenic (1 of 4 stars; one submission).

Submission:

Labcorp Genetics (formerly Invitae), Labcorp
Classification: Pathogenic. Last evaluated: 2022-11-28. Review status: criteria provided, single submitter. Criteria: Invitae Variant Classification Sherloc (09022015). Collection method: clinical testing. Allele origin: germline.
Comment: This premature translational stop signal has been observed in individual(s) with HNF1A-related conditions (PMID: 11272211). This variant is not present in population databases (gnomAD no frequency). This sequence change creates a premature translational stop signal (p.Trp267*) in the HNF1A gene. It is expected to result in an absent or disrupted protein product. Loss-of-function variants in HNF1A are known to be pathogenic (PMID: 15928245, 18003757). For these reasons, this variant has been classified as Pathogenic.

Literature cited by the submitters: PubMed 11272211; PubMed 15928245; PubMed 18003757.

NM_000545.8(HNF1A):c.801G>A (p.Trp267Ter)

Gene: HNF1A (HNF1 homeobox A; plus strand). Cytogenetic location: 12q24.31.
Variant type: single nucleotide variant.
Coding change: c.801G>A on transcript NM_000545.8 (MANE Select); coding-DNA position 801, G replaced by A.
Protein change: p.Trp267Ter; replaces tryptophan 267 with a stop codon.
Molecular consequence: nonsense.
Genome position (GRCh38, 1-based): chr12:120,994,251, G>A. VCF-style: chr12-120994251-G-A. GRCh37 (hg19) VCF-style: chr12-121432054-G-A.
Other names: c.801G>A, p.Trp267Ter (NM_001306179.2, NM_001406915.1); short protein forms W267*.
Identifiers: ClinVar variation 2735985 (VCV002735985.3), dbSNP rs2135841756, ClinGen allele CA386966258.